The following is an entry in ClinVar:

Conditions:
Breast-ovarian cancer, familial, susceptibility to, 1 (BROVCA1). Also called: BRCA1 Hereditary Breast and Ovarian Cancer; OVARIAN CANCER, SUSCEPTIBILITY TO. Identifiers: Orphanet 145, MedGen C2676676, MONDO:0011450, OMIM 604370. Disease mechanism: loss of function.

Submission:

Brotman Baty Institute, University of Washington
No classification provided (evidence only). Condition: Breast-ovarian cancer, familial 1. Review status: no classification provided. Collection method: in vitro. Allele origin: not applicable. Functional consequence: functionally_normal.
ClinVar note: "not provided" was previously submitted as the classification for the variant. However, the classification appeared to be based only on an observation of functional data so it was converted to no classification on 2025-07-30.

NM_007294.4(BRCA1):c.135-5T>A

Gene: BRCA1 (BRCA1 DNA repair associated; minus strand). Cytogenetic location: 17q21.31.
Variant type: single nucleotide variant.
Coding change: c.135-5T>A on transcript NM_007294.4 (MANE Select); 5 bases into the intron before coding-DNA position 135, T replaced by A.
Molecular consequence: intron variant.
Genome position (GRCh38, 1-based): chr17:43,106,538, A>T on the plus strand (T>A on the coding strand, the complement: BRCA1 is on the minus strand). VCF-style: chr17-43106538-A-T. GRCh37 (hg19) VCF-style: chr17-41258555-A-T.
Other names: c.-54-5T>A (NM_001408484.1, NM_001408478.1, NM_001407907.1 and 58 more transcripts); c.135-5T>A (NM_001408450.1, NM_001408434.1, NM_001407672.1 and 167 more transcripts); c.-7-5T>A (NM_001408462.1, NM_001407724.1, NM_001407697.1 and 99 more transcripts); c.135-1582T>A (NM_001408414.1, NM_001408411.1, NM_001407655.1 and 21 more transcripts); c.-218-11678T>A (NM_001407967.1, NM_001407966.1); c.-169-1582T>A (NM_001407959.1, NM_001407962.1, NM_001408512.1 and 4 more transcripts); c.81-1582T>A (NM_001408451.1).
Identifiers: ClinVar variation 865183 (VCV000865183.3), dbSNP rs587781916, ClinGen allele CA916080915.